The following is an entry in ClinVar:

NM_000219.6(KCNE1):c.357C>G (p.Asn119Lys)

Gene: KCNE1 (potassium voltage-gated channel subfamily E regulatory subunit 1; minus strand). Cytogenetic location: 21q22.12.
Variant type: single nucleotide variant.
Coding change: c.357C>G on transcript NM_000219.6 (MANE Select); coding-DNA position 357, C replaced by G.
Protein change: p.Asn119Lys; replaces asparagine 119 with lysine.
Molecular consequence: missense variant.
Genome position (GRCh38, 1-based): chr21:34,449,278, G>C on the plus strand (C>G on the coding strand, the complement: KCNE1 is on the minus strand). VCF-style: chr21-34449278-G-C. GRCh37 (hg19) VCF-style: chr21-35821576-G-C.
Other names: c.357C>G, p.Asn119Lys (NM_001127668.4, NM_001127669.4, NM_001127670.4 and 4 more transcripts); short protein forms N119K.
Identifiers: ClinVar variation 3373801 (VCV003373801.2).

Conditions:
Long QT syndrome 5 (LQT5). Identifiers: Orphanet 101016, Orphanet 768, MedGen C1867904, MONDO:0013372, OMIM 613695.

Submission:

Roden Lab, Vanderbilt University Medical Center
No classification provided (evidence only). Condition: Long QT syndrome 5. Review status: no classification provided. Collection method: in vitro. Allele origin: not applicable. Functional consequence: Effect on ion channel function.
ClinVar note: "not provided" was previously submitted as the classification for the variant. However, the classification appeared to be based only on an observation of functional data so it was converted to no classification on 2025-07-30.